The following is an entry in ClinVar:

NM_000329.3(RPE65):c.143_144insT (p.Leu49fs)

Gene: RPE65 (retinoid isomerohydrolase RPE65; minus strand). Cytogenetic location: 1p31.3.
Variant type: Insertion.
Coding change: c.143_144insT on transcript NM_000329.3 (MANE Select); coding-DNA positions 143 to 144, T inserted.
Protein change: p.Leu49fs; shifts the reading frame from leucine 49.
Molecular consequence: frameshift variant. On other transcripts: 5 prime UTR variant (1), intron variant (1).
Genome position: GRCh38 VCF-style: chr1-68446811-T-TA. GRCh37 (hg19) VCF-style: chr1-68912494-T-TA.
Other names: c.143_144insT, p.Leu49fs (NM_001406853.1, NM_001406859.1, NM_001406860.1); c.-134_-133insT (NM_001406857.1); c.-32+1812_-32+1813insT (NM_001406856.1); short protein forms L49fs.
Identifiers: ClinVar variation 5010531 (VCV005010531.1).
Genomic context (GRCh38, chr1:68,446,811, plus strand): 5'-GTGCAGGAGGGCTTGCCCATCAAACAGGTGGTAAAATGGCTCAGATCCAACTTCAAAGAG[T>TA]CCTGGCCCACATCGAAGGAGACTGCCGGTGAGCCAGAGGGGGATCCTGCCTGTGATGAAG-3'

ClinVar aggregate classification (germline): Pathogenic (1 of 4 stars; one submission).

Conditions:
RPE65-related recessive retinopathy. Also called: Recessive RPE65 retinopathy. Identifiers: MedGen CN305526, MONDO:0100368.

Submission:

Myriad Genetics, Inc.
Classification: Pathogenic for RPE65-related recessive retinopathy. Last evaluated: 2024-05-14. Review status: criteria provided, single submitter. Criteria: Myriad Autosomal Dominant, Autosomal Recessive and X-Linked Classification Criteria (2023). Collection method: clinical testing. Allele origin: unknown.
Comment: NM_000329.2(RPE65):c.143_144insT(L49Tfs*3) is expected to be pathogenic in the context of inherited retinal dystrophy, RPE65-related. This variant is predicted to lead to an abnormal or absent protein product due to the creation of a premature termination codon in RPE65, a gene where loss-of-function variants are known to be pathogenic. Please note: this variant was assessed in the context of healthy population screening.